The following is an entry in ClinVar:

NM_001130009.3(GEN1):c.442G>T (p.Val148Phe)

Gene: GEN1 (GEN1 structure-specific endonuclease; plus strand). Cytogenetic location: 2p24.2.
Variant type: single nucleotide variant.
Coding change: c.442G>T on transcript NM_001130009.3 (MANE Select); coding-DNA position 442, G replaced by T.
Protein change: p.Val148Phe; replaces valine 148 with phenylalanine.
Molecular consequence: missense variant.
Genome position (GRCh38, 1-based): chr2:17,764,990, G>T. VCF-style: chr2-17764990-G-T. GRCh37 (hg19) VCF-style: chr2-17946257-G-T.
Other names: c.442G>T, p.Val148Phe (NM_182625.5); short protein forms V148F.
Identifiers: ClinVar variation 4671438 (VCV004671438.1).

ClinVar aggregate classification (germline): Uncertain significance (1 of 4 stars; one submission).

gnomAD v4.1: 3 of 1,614,086 alleles (0.00019%); highest among the groups gnomAD compares: Non-Finnish European, 0.00025%; no homozygotes.

Submission:

Ambry Genetics
Classification: Uncertain significance. Last evaluated: 2025-09-19. Review status: criteria provided, single submitter. Criteria: Ambry Variant Classification Scheme 2023. Collection method: clinical testing. Allele origin: germline.
Comment: The p.V148F variant (also known as c.442G>T), located in coding exon 3 of the GEN1 gene, results from a G to T substitution at nucleotide position 442. The valine at codon 148 is replaced by phenylalanine, an amino acid with highly similar properties. This amino acid position is conserved. In addition, this alteration is predicted to be deleterious by in silico analysis. Based on the available evidence, the clinical significance of this variant remains unclear.